The following is an entry in ClinVar:

ClinVar aggregate classification (germline): Conflicting classifications of pathogenicity. Review status: criteria provided, conflicting classifications (1 of 4 stars). 4 submissions from 4 submitters: Uncertain significance (2); Likely benign (2). Last evaluated 2025-10-26.

Conditions:
Fanconi anemia (FA). Also called: Fanconi's anemia. Identifiers: Orphanet 84, MedGen C0015625, MeSH D005199, MONDO:0019391.
Fanconi anemia complementation group A (FANCA). Also called: FANCA-Related Fanconi Anemia; Fanconi anemia, group A. Identifiers: Orphanet 84, MedGen C3469521, MONDO:0009215, OMIM 227650.

Allele frequency attached by ClinVar (database versions not stated): gnomAD 0.00002; gnomAD exomes 0.00002; TOPMed 0.00002; ExAC 0.00004; ESP Exome Variant Server 0.00008; 1000 Genomes Project 30x 0.00016; 1000 Genomes Project 0.00020.
gnomAD v4.1: 27 of 1,614,100 alleles (0.0017%); highest among the groups gnomAD compares: Admixed American, 0.015%; no homozygotes.

Submissions (4):

Labcorp Genetics (formerly Invitae), Labcorp
Classification: Likely benign for Fanconi anemia. Last evaluated: 2025-10-26. Review status: criteria provided, single submitter. Criteria: Invitae Variant Classification Sherloc (09022015). Collection method: clinical testing. Allele origin: germline.

Quest Diagnostics Nichols Institute San Juan Capistrano
Classification: Uncertain significance. Last evaluated: 2025-07-08. Review status: criteria provided, single submitter. Criteria: Quest Diagnostics criteria. Collection method: clinical testing. Allele origin: unknown.
Comment: The FANCA c.3431G>A (p.Arg1144Gln) variant has not been reported in individuals affected with FANCA-related disorders in the published literature. However, this variant has been identified in the somatic state in an individual with colorectal cancer (PMID: 29338072(2018)). The frequency of this variant in the general population (Genome Aggregation Database) is uninformative in the assessment of its pathogenicity. Analysis of this variant using bioinformatics tools for the prediction of the effect of amino acid changes on protein structure and function yielded predictions that this variant is benign. Based on the available information, we are unable to determine the clinical significance of this variant.

Fulgent Genetics
Classification: Uncertain significance for Fanconi anemia complementation group A. Last evaluated: 2024-02-08. Review status: criteria provided, single submitter. Criteria: ACMG Guidelines, 2015. Collection method: clinical testing. Allele origin: germline.

Blueprint Genetics
Classification: Likely benign. Last evaluated: 2022-08-13. Review status: criteria provided, single submitter. Criteria: ACMG Guidelines, 2015. Collection method: clinical testing. Allele origin: germline.

Literature cited by the submitters: PubMed 32546565 (cited by Quest Diagnostics Nichols Institute San Juan Capistrano); PubMed 29338072 (cited by Quest Diagnostics Nichols Institute San Juan Capistrano); PubMed 36863698 (cited by Quest Diagnostics Nichols Institute San Juan Capistrano).

NM_000135.4(FANCA):c.3431G>A (p.Arg1144Gln)

Gene: FANCA (FA complementation group A; minus strand). Cytogenetic location: 16q24.3.
Variant type: single nucleotide variant.
Coding change: c.3431G>A on transcript NM_000135.4 (MANE Select); coding-DNA position 3431, G replaced by A.
Protein change: p.Arg1144Gln; replaces arginine 1144 with glutamine.
Molecular consequence: missense variant.
Genome position (GRCh38, 1-based): chr16:89,746,666, C>T on the plus strand (G>A on the coding strand, the complement: FANCA is on the minus strand). VCF-style: chr16-89746666-C-T. GRCh37 (hg19) VCF-style: chr16-89813074-C-T.
Other names: c.3431G>A, p.Arg1144Gln (NM_001286167.3); c.3431G>A (NM_000135.3); short protein forms R1144Q.
Identifiers: ClinVar variation 2041036 (VCV002041036.9), dbSNP rs138112218, ClinGen allele CA8251152.
Genomic context (GRCh38, chr16:89,746,666, plus strand): 5'-GGGCATTTCGTCTGGCACTTGGCCAGTATGAAGTCGACCATCAGGGAGGGGTCTCTGCTC[C>T]GCAGACAGGCGTTCAGGAGGCCCTGCAGGAGAGAACGCAGCAGGAGGTCAGCGGTTTGTG-3'
Protein context (NP_000126.2, residues 1134-1154): FFRGLLNACL[Arg1144Gln]SRDPSLMVDF